The following is an entry in ClinVar:

ClinVar aggregate classification (germline): Uncertain significance (1 of 4 stars; one submission).

Conditions:
Hereditary pheochromocytoma and paraganglioma. Also called: Hereditary pheochromocytoma-paraganglioma; Hereditary paragangliomas and pheochromocytomas; Hereditary Paraganglioma-Pheochromocytoma Syndromes. Identifiers: Orphanet 29072, MedGen C4274332, MONDO:0017366.

Submission:

Labcorp Genetics (formerly Invitae), Labcorp
Classification: Uncertain significance for Hereditary pheochromocytoma and paraganglioma. Last evaluated: 2022-09-03. Review status: criteria provided, single submitter. Criteria: Invitae Variant Classification Sherloc (09022015). Collection method: clinical testing. Allele origin: germline.
Comment: This sequence change replaces proline, which is neutral and non-polar, with arginine, which is basic and polar, at codon 53 of the SDHAF2 protein (p.Pro53Arg). This variant is not present in population databases (gnomAD no frequency). In summary, the available evidence is currently insufficient to determine the role of this variant in disease. Therefore, it has been classified as a Variant of Uncertain Significance. Algorithms developed to predict the effect of missense changes on protein structure and function are either unavailable or do not agree on the potential impact of this missense change (SIFT: "Tolerated"; PolyPhen-2: "Probably Damaging"; Align-GVGD: "Class C0"). This variant has not been reported in the literature in individuals affected with SDHAF2-related conditions.

NM_017841.4(SDHAF2):c.158C>G (p.Pro53Arg)

Gene: SDHAF2 (succinate dehydrogenase complex assembly factor 2; plus strand). Cytogenetic location: 11q12.2.
Variant type: single nucleotide variant.
Coding change: c.158C>G on transcript NM_017841.4 (MANE Select); coding-DNA position 158, C replaced by G.
Protein change: p.Pro53Arg; replaces proline 53 with arginine.
Molecular consequence: missense variant.
Genome position (GRCh38, 1-based): chr11:61,437,746, C>G. VCF-style: chr11-61437746-C-G. GRCh37 (hg19) VCF-style: chr11-61205218-C-G.
Other names: short protein forms P53R.
Identifiers: ClinVar variation 1718806 (VCV001718806.5), dbSNP rs562958122, ClinGen allele CA380683390.
Genomic context (GRCh38, chr11:61,437,746, plus strand): 5'-GCTTCTACAGAGGTGACAGCCCAACAGATTCCCAAAAGGACATGATTGAAATCCCTTTGC[C>G]TCCATGGCAGGAGAGAACTGATGAATCCATAGAAACCAAAAGAGCCCGCCTGCTCTATGA-3'
Protein context (NP_060311.1, residues 43-63): SQKDMIEIPL[Pro53Arg]PWQERTDESI